The following is an entry in ClinVar:

ClinVar aggregate classification (germline): Benign/Likely benign. Review status: criteria provided, multiple submitters, no conflicts (2 of 4 stars). 14 submissions from 12 submitters: Benign (12); Likely benign (1). 1 of the submissions does not count toward it. Last evaluated 2026-02-04.

Conditions:
Usher syndrome type 1 (USH1). Also called: RETINITIS PIGMENTOSA AND CONGENITAL DEAFNESS. Identifiers: Orphanet 231169, Orphanet 886, MedGen C1568247, MONDO:0010168, OMIM 276900.
Autosomal dominant nonsyndromic hearing loss 11. Identifiers: Orphanet 90635, MedGen C1832475, MONDO:0011032, OMIM 601317.
Autosomal recessive nonsyndromic hearing loss 2. Also called: DEAFNESS, AUTOSOMAL RECESSIVE 2; NEUROSENSORY NONSYNDROMIC RECESSIVE DEAFNESS 2. Identifiers: Orphanet 90636, MedGen C1838701, MONDO:0010807, OMIM 600060.
Usher syndrome type 1B (USH1B). Also called: Usher syndrome type IB. Identifiers: MedGen C1848638, MONDO:0700087.

Allele frequency attached by ClinVar (database versions not stated): ESP Exome Variant Server 0.01517; gnomAD exomes 0.02561 and 0.04555; 1000 Genomes Project 0.02776; 1000 Genomes Project 30x 0.02920; gnomAD 0.03097 and 0.03116; TOPMed 0.03235; ExAC 0.03831.
gnomAD v4.1: 41,878 of 1,613,478 alleles (2.6%); highest among the groups gnomAD compares: Admixed American, 16%; 1,402 homozygotes.

Submissions (19):

Labcorp Genetics (formerly Invitae), Labcorp
Classification: Benign. Last evaluated: 2026-02-04. Review status: criteria provided, single submitter. Criteria: Invitae Variant Classification Sherloc (09022015). Collection method: clinical testing. Allele origin: germline.

Blueprint Genetics
Classification: Likely benign. Last evaluated: 2024-11-27. Review status: criteria provided, single submitter. Criteria: ACMG Guidelines, 2015. Collection method: clinical testing. Allele origin: germline.

Mayo Clinic Laboratories, Mayo Clinic
Classification: Benign. Last evaluated: 2022-01-14. Review status: criteria provided, single submitter. Criteria: ACMG Guidelines, 2015. Collection method: clinical testing. Allele origin: germline. Observed: 9 variant alleles.

Centre for Mendelian Genomics, University Medical Centre Ljubljana
Classification: Benign for Autosomal dominant nonsyndromic hearing loss 11. Last evaluated: 2020-01-16. Review status: criteria provided, single submitter. Criteria: ACMG Guidelines, 2015. Collection method: clinical testing. Allele origin: unknown. Affected: yes.
Comment: This variant was classified as: Benign. The following ACMG criteria were applied in classifying this variant: BS1,BS2.

Athena Diagnostics
Classification: Benign. Last evaluated: 2018-08-10. Review status: criteria provided, single submitter. Criteria: Athena Diagnostics Criteria. Collection method: clinical testing. Allele origin: germline.

Illumina Laboratory Services, Illumina
Classification: Benign for Autosomal recessive nonsyndromic hearing loss 2. Last evaluated: 2018-01-13. Review status: criteria provided, single submitter. Criteria: ICSL Variant Classification Criteria 13 December 2019. Collection method: clinical testing. Allele origin: germline.
Comment: This variant was observed in the ICSL laboratory as part of a predisposition screen in an ostensibly healthy population. It had not been previously curated by ICSL or reported in the Human Gene Mutation Database (HGMD: prior to June 1st, 2018), and was therefore a candidate for classification through an automated scoring system. Utilizing variant allele frequency, disease prevalence and penetrance estimates, and inheritance mode, an automated score was calculated to assess if this variant is too frequent to cause the disease. Based on the score and internal cut-off values, a variant classified as benign is not then subjected to further curation. The score for this variant resulted in a classification of benign for this disease.

Illumina Laboratory Services, Illumina
Classification: Benign for Usher syndrome type 1. Last evaluated: 2018-01-13. Review status: criteria provided, single submitter. Criteria: ICSL Variant Classification Criteria 13 December 2019. Collection method: clinical testing. Allele origin: germline.
Comment: the same text as in the submission from Illumina Laboratory Services, Illumina above.

Illumina Laboratory Services, Illumina
Classification: Benign for Autosomal dominant nonsyndromic hearing loss 11. Last evaluated: 2018-01-13. Review status: criteria provided, single submitter. Criteria: ICSL Variant Classification Criteria 13 December 2019. Collection method: clinical testing. Allele origin: germline.
Comment: the same text as in the submission from Illumina Laboratory Services, Illumina above.

GeneDx
Classification: Benign. Last evaluated: 2013-05-12. Review status: criteria provided, single submitter. Criteria: GeneDx Variant Classification (06012015). Collection method: clinical testing. Allele origin: germline. Affected: yes.
Comment: This variant is considered likely benign or benign based on one or more of the following criteria: it is a conservative change, it occurs at a poorly conserved position in the protein, it is predicted to be benign by multiple in silico algorithms, and/or has population frequency not consistent with disease.

Eurofins Ntd Llc (ga)
Classification: Benign. Last evaluated: 2013-05-09. Review status: criteria provided, single submitter. Criteria: EGL Classification Definitions 2015. Collection method: clinical testing. Allele origin: germline. Observed: 1 variant allele, 1 heterozygote.

Laboratory for Molecular Medicine, Mass General Brigham Personalized Medicine
Classification: Benign. Last evaluated: 2008-10-29. Review status: criteria provided, single submitter. Criteria: LMM Criteria. Collection method: clinical testing. Allele origin: germline. Observed: 151 variant alleles.

Breakthrough Genomics
Classification: Benign. Review status: criteria provided, single submitter. Criteria: ACMG Guidelines, 2015. Collection method: not provided. Allele origin: germline. Inheritance: Autosomal recessive inheritance. Affected: yes.

PreventionGenetics, part of Exact Sciences
Classification: Benign. Review status: criteria provided, single submitter. Criteria: ACMG Guidelines, 2015. Collection method: clinical testing. Allele origin: germline.

Natera, Inc.
Classification: Benign for Usher syndrome type 1B. Last evaluated: 2020-09-16. Review status: no assertion criteria provided. Collection method: clinical testing. Allele origin: germline. Not counted in ClinVar's aggregate classification.

Dr. Peter K. Rogan Lab, Western University
No classification provided (evidence only). Condition: Gastric cancer. Review status: no classification provided. Collection method: in vitro. Allele origin: not applicable. Functional consequence: retained intron. Not counted in ClinVar's aggregate classification.

Dr. Peter K. Rogan Lab, Western University
No classification provided (evidence only). Condition: Gastric cancer. Review status: no classification provided. Collection method: in vitro. Allele origin: not applicable. Functional consequence: retained intron. Not counted in ClinVar's aggregate classification.

Dr. Peter K. Rogan Lab, Western University
No classification provided (evidence only). Condition: Adrenocortical carcinoma, hereditary. Review status: no classification provided. Collection method: in vitro. Allele origin: not applicable. Functional consequence: retained intron. Not counted in ClinVar's aggregate classification.

Dr. Peter K. Rogan Lab, Western University
No classification provided (evidence only). Condition: Malignant tumor of esophagus. Review status: no classification provided. Collection method: in vitro. Allele origin: not applicable. Functional consequence: retained intron. Not counted in ClinVar's aggregate classification.

Dr. Peter K. Rogan Lab, Western University
No classification provided (evidence only). Condition: Malignant tumor of esophagus. Review status: no classification provided. Collection method: in vitro. Allele origin: not applicable. Functional consequence: skipped exon, retained intron. Not counted in ClinVar's aggregate classification.

NM_000260.4(MYO7A):c.468C>T (p.Ile156=)

Gene: MYO7A (myosin VIIA; plus strand). Cytogenetic location: 11q13.5.
Variant type: single nucleotide variant.
Coding change: c.468C>T on transcript NM_000260.4 (MANE Select); coding-DNA position 468, C replaced by T.
Protein change: p.Ile156=; no amino-acid change (isoleucine 156 retained).
Molecular consequence: synonymous variant.
Genome position (GRCh38, 1-based): chr11:77,156,089, C>T. VCF-style: chr11-77156089-C-T. GRCh37 (hg19) VCF-style: chr11-76867135-C-T.
Other names: p.I156I:ATC>ATT; p.Ile156=; c.468C>T, p.Ile156= (NM_001127180.2); c.435C>T, p.Ile145= (NM_001369365.1).
Identifiers: ClinVar variation 43252 (VCV000043252.31), dbSNP rs12420129, ClinGen allele CA132341.
Genomic context (GRCh38, chr11:77,156,089, plus strand): 5'-CATTGCTGACAACTGCTACTTCAACATGAAACGCAACAGCCGAGACCAGTGCTGCATCAT[C>T]AGGTGGGCGGCCCAGCACCTGTGTGGAGCTCCAGGCTTAGGACCTAGAGCTCCAACTGTG-3'
Protein context (NP_000251.3, residues 146-166): KRNSRDQCCI[Ile156=]SGESGAGKTE